The following is an entry in ClinVar:

ClinVar aggregate classification (germline): Uncertain significance (1 of 4 stars; one submission).

Conditions:
Hereditary cancer-predisposing syndrome. Also called: Hereditary Cancer Syndrome; Tumor predisposition; Hereditary neoplastic syndrome; Neoplastic Syndromes, Hereditary. Identifiers: Orphanet 140162, MedGen C0027672, MeSH D009386, MONDO:0015356.
Cardiovascular phenotype. Identifiers: MedGen CN230736.

Submission:

Ambry Genetics
Classification: Uncertain significance for Cardiovascular phenotype; Hereditary cancer-predisposing syndrome. Last evaluated: 2024-10-21. Review status: criteria provided, single submitter. Criteria: Ambry Variant Classification Scheme 2023. Collection method: clinical testing. Allele origin: germline.
Comment: The p.P2771T variant (also known as c.8311C>A), located in coding exon 56 of the NF1 gene, results from a C to A substitution at nucleotide position 8311. The proline at codon 2771 is replaced by threonine, an amino acid with highly similar properties. This amino acid position is conserved. In addition, this alteration is predicted to be tolerated by in silico analysis. Based on the available evidence, the clinical significance of this variant remains unclear.

NM_001042492.3(NF1):c.8374C>A (p.Pro2792Thr)

Gene: NF1 (neurofibromin 1; plus strand). Cytogenetic location: 17q11.2.
Variant type: single nucleotide variant.
Coding change: c.8374C>A on transcript NM_001042492.3 (MANE Select); coding-DNA position 8374, C replaced by A.
Protein change: p.Pro2792Thr; replaces proline 2792 with threonine.
Molecular consequence: missense variant.
Genome position (GRCh38, 1-based): chr17:31,360,700, C>A. VCF-style: chr17-31360700-C-A. GRCh37 (hg19) VCF-style: chr17-29687718-C-A.
Other names: c.8311C>A, p.Pro2771Thr (NM_000267.4); short protein forms P2771T, P2792T.
Identifiers: ClinVar variation 3404819 (VCV003404819.1).